The following is an entry in ClinVar:

NM_001378778.1(MPDZ):c.854T>A (p.Leu285Gln)

Gene: MPDZ (multiple PDZ domain crumbs cell polarity complex component; minus strand). Cytogenetic location: 9p23.
Variant type: single nucleotide variant.
Coding change: c.854T>A on transcript NM_001378778.1 (MANE Select); coding-DNA position 854, T replaced by A.
Protein change: p.Leu285Gln; replaces leucine 285 with glutamine.
Molecular consequence: missense variant.
Genome position (GRCh38, 1-based): chr9:13,221,394, A>T on the plus strand (T>A on the coding strand, the complement: MPDZ is on the minus strand). VCF-style: chr9-13221394-A-T. GRCh37 (hg19) VCF-style: chr9-13221393-A-T.
Other names: c.854T>A, p.Leu285Gln (NM_001261406.2, NM_001261407.2, NM_001330637.2 and 14 more transcripts); short protein forms L285Q.
Identifiers: ClinVar variation 2026758 (VCV002026758.2), dbSNP rs2497395863, ClinGen allele CA372946282.
Genomic context (GRCh38, chr9:13,221,394, plus strand): 5'-TGATAAAATAGCATAAAAGATCTATTGATGTAGCCTACCTGATCAGCTACTCCTCCAGGC[A>T]GAATGGTTTTTACTATCACACCAGTTGCTTTTCCTCCTATGATGCCAAATCCCAAACCAG-3'
Protein context (NP_001365707.1, residues 275-295): KATGVIVKTI[Leu285Gln]PGGVADQHGR

ClinVar aggregate classification (germline): Uncertain significance (1 of 4 stars; one submission).

Submission:

Labcorp Genetics (formerly Invitae), Labcorp
Classification: Uncertain significance. Last evaluated: 2021-12-02. Review status: criteria provided, single submitter. Criteria: Invitae Variant Classification Sherloc (09022015). Collection method: clinical testing. Allele origin: germline.
Comment: In summary, the available evidence is currently insufficient to determine the role of this variant in disease. Therefore, it has been classified as a Variant of Uncertain Significance. Algorithms developed to predict the effect of missense changes on protein structure and function (SIFT, PolyPhen-2, Align-GVGD) all suggest that this variant is likely to be disruptive. This variant has not been reported in the literature in individuals affected with MPDZ-related conditions. This variant is not present in population databases (gnomAD no frequency). This sequence change replaces leucine, which is neutral and non-polar, with glutamine, which is neutral and polar, at codon 285 of the MPDZ protein (p.Leu285Gln).